The following is an entry in ClinVar:

NM_001378902.1(ROS1):c.2962T>G (p.Leu988Val)

Gene: ROS1 (ROS proto-oncogene 1, receptor tyrosine kinase; minus strand). Cytogenetic location: 6q22.1.
Variant type: single nucleotide variant.
Coding change: c.2962T>G on transcript NM_001378902.1 (MANE Select); coding-DNA position 2962, T replaced by G.
Protein change: p.Leu988Val; replaces leucine 988 with valine.
Molecular consequence: missense variant.
Genome position (GRCh38, 1-based): chr6:117,365,201, A>C on the plus strand (T>G on the coding strand, the complement: ROS1 is on the minus strand). VCF-style: chr6-117365201-A-C. GRCh37 (hg19) VCF-style: chr6-117686364-A-C.
Other names: c.2965T>G, p.Leu989Val (NM_001378891.1); c.2977T>G, p.Leu993Val (NM_002944.3); short protein forms L988V, L989V, L993V.
Identifiers: ClinVar variation 2656873 (VCV002656873.24), dbSNP rs2534326556, ClinGen allele CA365455311.

ClinVar aggregate classification (germline): Uncertain significance (1 of 4 stars; one submission).

Submission:

CeGaT Center for Human Genetics Tuebingen
Classification: Uncertain significance. Last evaluated: 2023-03-01. Review status: criteria provided, single submitter. Criteria: CeGaT Center For Human Genetics Tuebingen Variant Classification Criteria Version 2. Collection method: clinical testing. Allele origin: germline. Affected: yes. Observed: 1 variant allele.
Comment: ROS1: PM2, BP4